The following is an entry in ClinVar:

NC_000015.9:g.(?_91310130)_(91312471_?)dup

Gene: BLM (BLM RecQ like helicase; plus strand). Cytogenetic location: 15q26.1.
Variant type: Duplication.
Identifiers: ClinVar variation 1408878 (VCV001408878.5).

ClinVar aggregate classification (germline): Uncertain significance (1 of 4 stars; one submission).

Conditions:
Bloom syndrome (BLM). Also called: Bloom-Torre-Machacek syndrome. Identifiers: Orphanet 125, MedGen C0005859, MONDO:0008876, OMIM 210900.

Submission:

Labcorp Genetics (formerly Invitae), Labcorp
Classification: Uncertain significance for Bloom syndrome. Last evaluated: 2021-05-28. Review status: criteria provided, single submitter. Criteria: Invitae Variant Classification Sherloc (09022015). Collection method: clinical testing. Allele origin: germline.
Comment: In summary, the available evidence is currently insufficient to determine the role of this variant in disease. Therefore, it has been classified as a Variant of Uncertain Significance. Experimental studies and prediction algorithms are not available or were not evaluated, and the functional significance of this variant is currently unknown. This variant has not been reported in the literature in individuals with BLM-related conditions. This variant results in a copy number gain of the genomic region encompassing exon(s) 10-11 of the BLM gene. While the exact position of this variant cannot be determined from the data, sub-genic copy number gains are generally in tandem (PMID: 25640679). This variant is predicted to be in-frame, and likely preserves the integrity of the reading frame.

Literature cited by the submitters: PubMed 25640679.